The following is an entry in ClinVar:

NM_006918.5(SC5D):c.565T>A (p.Leu189Ile)

Gene: SC5D (sterol-C5-desaturase; plus strand). Cytogenetic location: 11q24.1.
Variant type: single nucleotide variant.
Coding change: c.565T>A on transcript NM_006918.5 (MANE Select); coding-DNA position 565, T replaced by A.
Protein change: p.Leu189Ile; replaces leucine 189 with isoleucine.
Molecular consequence: missense variant.
Genome position (GRCh38, 1-based): chr11:121,307,177, T>A. VCF-style: chr11-121307177-T-A. GRCh37 (hg19) VCF-style: chr11-121177886-T-A.
Other names: c.565T>A, p.Leu189Ile (NM_001024956.3); short protein forms L189I.
Identifiers: ClinVar variation 4738382 (VCV004738382.1).

ClinVar aggregate classification (germline): Uncertain significance (1 of 4 stars; one submission).

Submission:

Labcorp Genetics (formerly Invitae), Labcorp
Classification: Uncertain significance. Last evaluated: 2025-05-08. Review status: criteria provided, single submitter. Criteria: Invitae Variant Classification Sherloc (09022015). Collection method: clinical testing. Allele origin: germline.
Comment: This sequence change replaces leucine, which is neutral and non-polar, with isoleucine, which is neutral and non-polar, at codon 189 of the SC5D protein (p.Leu189Ile). This variant is not present in population databases (gnomAD no frequency). This variant has not been reported in the literature in individuals affected with SC5D-related conditions. Invitae Evidence Modeling of protein sequence and biophysical properties (such as structural, functional, and spatial information, amino acid conservation, physicochemical variation, residue mobility, and thermodynamic stability) indicates that this missense variant is not expected to disrupt SC5D protein function with a negative predictive value of 80%. In summary, the available evidence is currently insufficient to determine the role of this variant in disease. Therefore, it has been classified as a Variant of Uncertain Significance.